The following is an entry in ClinVar:

NM_000384.3(APOB):c.1097T>C (p.Leu366Pro)

Gene: APOB (apolipoprotein B; minus strand). Cytogenetic location: 2p24.1.
Variant type: single nucleotide variant.
Coding change: c.1097T>C on transcript NM_000384.3 (MANE Select); coding-DNA position 1097, T replaced by C.
Protein change: p.Leu366Pro; replaces leucine 366 with proline.
Molecular consequence: missense variant.
Genome position (GRCh38, 1-based): chr2:21,033,326, A>G on the plus strand (T>C on the coding strand, the complement: APOB is on the minus strand). VCF-style: chr2-21033326-A-G. GRCh37 (hg19) VCF-style: chr2-21256198-A-G.
Other names: short protein forms L366P.
Identifiers: ClinVar variation 5028682 (VCV005028682.1), dbSNP rs1036032031.

ClinVar aggregate classification (germline): Uncertain significance (1 of 4 stars; one submission).

Conditions:
Cardiovascular phenotype. Identifiers: MedGen CN230736.

Submission:

Ambry Genetics
Classification: Uncertain significance for Cardiovascular phenotype. Last evaluated: 2026-09-12. Review status: criteria provided, single submitter. Criteria: Ambry Variant Classification Scheme 2023. Collection method: clinical testing. Allele origin: germline.
Comment: The p.L366P variant (also known as c.1097T>C), located in coding exon 9 of the APOB gene, results from a T to C substitution at nucleotide position 1097. The leucine at codon 366 is replaced by proline, an amino acid with similar properties. This amino acid position is conserved. In addition, the in silico prediction for this alteration is inconclusive. Based on the available evidence, the clinical significance of this variant remains unclear.